The following is an entry in ClinVar:

ClinVar aggregate classification (germline): Conflicting classifications of pathogenicity. Review status: criteria provided, conflicting classifications (1 of 4 stars). 3 submissions from 3 submitters: Pathogenic (2); Uncertain significance (1). Last evaluated 2022-08-16.

Conditions:
Congenital muscular dystrophy due to LMNA mutation. Also called: Congenital muscular dystrophy, LMNA-related; Lamin A-related Congenital Muscular Dystrophy. Identifiers: Orphanet 157973, MedGen C2750785, MONDO:0013178, OMIM 613205.
Charcot-Marie-Tooth disease type 2. Also called: Charcot-Marie-Tooth type 2. Identifiers: Orphanet 64746, MedGen C0270914, MONDO:0018993.

Submissions (3):

Labcorp Genetics (formerly Invitae), Labcorp
Classification: Pathogenic for Charcot-Marie-Tooth disease type 2. Last evaluated: 2022-08-16. Review status: criteria provided, single submitter. Criteria: Invitae Variant Classification Sherloc (09022015). Collection method: clinical testing. Allele origin: germline.
Comment: This sequence change replaces leucine, which is neutral and non-polar, with proline, which is neutral and non-polar, at codon 284 of the LMNA protein (p.Leu284Pro). For these reasons, this variant has been classified as Pathogenic. Advanced modeling of protein sequence and biophysical properties (such as structural, functional, and spatial information, amino acid conservation, physicochemical variation, residue mobility, and thermodynamic stability) performed at Invitae indicates that this missense variant is expected to disrupt LMNA protein function. ClinVar contains an entry for this variant (Variation ID: 285938). This missense change has been observed in individual(s) with autosomal dominant limb-girdle muscular dystrophy and cardiomyopathy (PMID: 22491857). In at least one individual the variant was observed to be de novo. This variant is not present in population databases (gnomAD no frequency).

3billion
Classification: Pathogenic for Congenital muscular dystrophy due to LMNA mutation. Last evaluated: 2022-05-22. Review status: criteria provided, single submitter. Criteria: ACMG Guidelines, 2015. Collection method: clinical testing. Allele origin: germline. Affected: yes. Observed: 1 heterozygote.
Comment: The variant is not observed in the gnomAD v2.1.1 dataset. Missense changes are a common disease-causing mechanism. Functional studies provide supporting evidence of the variant having a damaging effect on the gene or gene product (PMID: 22491857). In silico tool predictions suggest damaging effect of the variant on gene or gene product (REVEL: 0.73; 3Cnet: 0.87). The variant has been previously reported as de novo in a similarly affected individual (PMID: 22491857). Therefore, this variant is classified as pathogenic according to the recommendation of ACMG/AMP guideline.

Eurofins Ntd Llc (ga)
Classification: Uncertain significance. Last evaluated: 2016-02-18. Review status: criteria provided, single submitter. Criteria: EGL Classification Definitions 2015. Collection method: clinical testing. Allele origin: germline. Observed: 1 variant allele, 1 heterozygote.

Literature cited by the submitters: PubMed 22491857 (cited by Labcorp Genetics (formerly Invitae), Labcorp and 3billion).

NM_170707.4(LMNA):c.851T>C (p.Leu284Pro)

Gene: LMNA (lamin A/C; plus strand). Cytogenetic location: 1q22.
Variant type: single nucleotide variant.
Coding change: c.851T>C on transcript NM_170707.4 (MANE Select); coding-DNA position 851, T replaced by C.
Protein change: p.Leu284Pro; replaces leucine 284 with proline.
Molecular consequence: missense variant.
Genome position (GRCh38, 1-based): chr1:156,135,227, T>C. VCF-style: chr1-156135227-T-C. GRCh37 (hg19) VCF-style: chr1-156105018-T-C.
Other names: c.515T>C, p.Leu172Pro (NM_001257374.3); c.608T>C, p.Leu203Pro (NM_001282624.2); c.851T>C, p.Leu284Pro (NM_001282625.2, NM_001282626.2, NM_005572.4 and 1 more transcripts); short protein forms L284P, L172P, L203P.
Identifiers: ClinVar variation 285938 (VCV000285938.13), dbSNP rs886043260, ClinGen allele CA10605303.
Genomic context (GRCh38, chr1:156,135,227, plus strand): 5'-CCCTTTGTCCTCCCCTCCAGCTGGACAATGCCAGGCAGTCTGCTGAGAGGAACAGCAACC[T>C]GGTGGGGGCTGCCCACGAGGAGCTGCAGCAGTCGCGCATCCGCATCGACAGCCTCTCTGC-3'
Protein context (NP_733821.1, residues 274-294): ARQSAERNSN[Leu284Pro]VGAAHEELQQ